The following is an entry in ClinVar:

ClinVar aggregate classification (germline): Conflicting classifications of pathogenicity. Review status: criteria provided, conflicting classifications (1 of 4 stars). 2 submissions from 2 submitters: Uncertain significance (1); Likely benign (1). Last evaluated 2024-02-12.

Conditions:
Hereditary cancer-predisposing syndrome. Also called: Neoplastic Syndromes, Hereditary; Tumor predisposition; Hereditary Cancer Syndrome; Hereditary neoplastic syndrome. Identifiers: Orphanet 140162, MedGen C0027672, MeSH D009386, MONDO:0015356.

Allele frequency attached by ClinVar (database versions not stated): gnomAD exomes below 0.00001.

Submissions (2):

Labcorp Genetics (formerly Invitae), Labcorp
Classification: Uncertain significance. Last evaluated: 2024-02-12. Review status: criteria provided, single submitter. Criteria: Invitae Variant Classification Sherloc (09022015). Collection method: clinical testing. Allele origin: germline.
Comment: This sequence change replaces histidine, which is basic and polar, with arginine, which is basic and polar, at codon 294 of the NTHL1 protein (p.His294Arg). This variant is not present in population databases (gnomAD no frequency). This variant has not been reported in the literature in individuals affected with NTHL1-related conditions. ClinVar contains an entry for this variant (Variation ID: 1764770). Algorithms developed to predict the effect of missense changes on protein structure and function output the following: SIFT: "Not Available"; PolyPhen-2: "Benign"; Align-GVGD: "Not Available". The arginine amino acid residue is found in multiple mammalian species, which suggests that this missense change does not adversely affect protein function. In summary, the available evidence is currently insufficient to determine the role of this variant in disease. Therefore, it has been classified as a Variant of Uncertain Significance.

Ambry Genetics
Classification: Likely benign for Hereditary cancer-predisposing syndrome. Last evaluated: 2020-02-07. Review status: criteria provided, single submitter. Criteria: Ambry Variant Classification Scheme 2023. Collection method: clinical testing. Allele origin: germline.

NM_002528.7(NTHL1):c.857A>G (p.His286Arg)

Gene: NTHL1 (nth like DNA glycosylase 1; minus strand). Cytogenetic location: 16p13.3.
Variant type: single nucleotide variant.
Coding change: c.857A>G on transcript NM_002528.7 (MANE Select); coding-DNA position 857, A replaced by G.
Protein change: p.His286Arg; replaces histidine 286 with arginine.
Molecular consequence: missense variant.
Genome position (GRCh38, 1-based): chr16:2,039,982, T>C on the plus strand (A>G on the coding strand, the complement: NTHL1 is on the minus strand). VCF-style: chr16-2039982-T-C. GRCh37 (hg19) VCF-style: chr16-2089983-T-C.
Other names: c.686A>G, p.His229Arg (NM_001318193.2); c.527A>G, p.His176Arg (NM_001318194.2); short protein forms H176R, H229R, H286R.
Identifiers: ClinVar variation 1764770 (VCV001764770.5), dbSNP rs2150937849, ClinGen allele CA394287199.